The following is an entry in ClinVar:

ClinVar aggregate classification (germline): Benign/Likely benign. Review status: criteria provided, multiple submitters, no conflicts (2 of 4 stars). 4 submissions from 4 submitters: Benign (3); Likely benign (1). Last evaluated 2026-04-01.

Conditions:
Erythrocytosis, familial, 4 (ECYT4). Identifiers: Orphanet 247511, MedGen C2673187, MONDO:0012729, OMIM 611783.

Allele frequency attached by ClinVar (database versions not stated): ESP Exome Variant Server 0.00100; 1000 Genomes Project 0.00160; 1000 Genomes Project 30x 0.00172; gnomAD exomes 0.00180 and 0.00206; ExAC 0.00188; gnomAD 0.00198 and 0.00212; TOPMed 0.00206.
gnomAD v4.1: 3,289 of 1,613,904 alleles (0.2%); highest among the groups gnomAD compares: Admixed American, 0.31%; 6 homozygotes.

Submissions (4):

CeGaT Center for Human Genetics Tuebingen
Classification: Benign. Last evaluated: 2026-04-01. Review status: criteria provided, single submitter. Criteria: CeGaT Center For Human Genetics Tuebingen Variant Classification Criteria Version 2. Collection method: clinical testing. Allele origin: germline. Affected: yes. Observed: 10 variant alleles.
Comment: EPAS1: BP4, BS1, BS2

Labcorp Genetics (formerly Invitae), Labcorp
Classification: Benign. Last evaluated: 2025-12-17. Review status: criteria provided, single submitter. Criteria: Invitae Variant Classification Sherloc (09022015). Collection method: clinical testing. Allele origin: germline.

Blueprint Genetics
Classification: Likely benign. Last evaluated: 2024-11-26. Review status: criteria provided, single submitter. Criteria: ACMG Guidelines, 2015. Collection method: clinical testing. Allele origin: germline.

Illumina Laboratory Services, Illumina
Classification: Benign for Erythrocytosis, familial, 4. Last evaluated: 2018-01-13. Review status: criteria provided, single submitter. Criteria: ICSL Variant Classification Criteria 13 December 2019. Collection method: clinical testing. Allele origin: germline.
Comment: This variant was observed in the ICSL laboratory as part of a predisposition screen in an ostensibly healthy population. It had not been previously curated by ICSL or reported in the Human Gene Mutation Database (HGMD: prior to June 1st, 2018), and was therefore a candidate for classification through an automated scoring system. Utilizing variant allele frequency, disease prevalence and penetrance estimates, and inheritance mode, an automated score was calculated to assess if this variant is too frequent to cause the disease. Based on the score and internal cut-off values, a variant classified as benign is not then subjected to further curation. The score for this variant resulted in a classification of benign for this disease.

NM_001430.5(EPAS1):c.779+8G>T

Genes: EPAS1 (endothelial PAS domain protein 1; plus strand), LOC126806210 (BRD4-independent group 4 enhancer GRCh37_chr2:46587586-46588785; plus strand). Cytogenetic location: 2p21.
Variant type: single nucleotide variant.
Coding change: c.779+8G>T on transcript NM_001430.5 (MANE Select); 8 bases into the intron after coding-DNA position 779, G replaced by T.
Molecular consequence: intron variant.
Genome position (GRCh38, 1-based): chr2:46,361,098, G>T. VCF-style: chr2-46361098-G-T. GRCh37 (hg19) VCF-style: chr2-46588237-G-T.
Identifiers: ClinVar variation 336251 (VCV000336251.33), dbSNP rs201393458, ClinGen allele CA1644740.